The following is an entry in ClinVar:

ClinVar aggregate classification (germline): Uncertain significance (1 of 4 stars; one submission).

Conditions:
Nemaline myopathy 2 (NEM2). Also called: Nemaline myopathy 2, autosomal recessive. Identifiers: MedGen C1850569, MONDO:0009725, OMIM 256030.

Submission:

Labcorp Genetics (formerly Invitae), Labcorp
Classification: Uncertain significance for Nemaline myopathy 2. Last evaluated: 2021-08-20. Review status: criteria provided, single submitter. Criteria: Invitae Variant Classification Sherloc (09022015). Collection method: clinical testing. Allele origin: germline.
Comment: This sequence change replaces histidine with proline at codon 6434 of the NEB protein (p.His6434Pro). The histidine residue is moderately conserved and there is a moderate physicochemical difference between histidine and proline. This variant is not present in population databases (ExAC no frequency). This variant has not been reported in the literature in individuals affected with NEB-related conditions. Algorithms developed to predict the effect of missense changes on protein structure and function are either unavailable or do not agree on the potential impact of this missense change (SIFT: "Deleterious"; PolyPhen-2: "Not Available"; Align-GVGD: "Class C0"). In summary, the available evidence is currently insufficient to determine the role of this variant in disease. Therefore, it has been classified as a Variant of Uncertain Significance.

NM_001164508.2(NEB):c.19301A>C (p.His6434Pro)

Gene: NEB (nebulin; minus strand). Cytogenetic location: 2q23.3.
Variant type: single nucleotide variant.
Coding change: c.19301A>C on transcript NM_001164508.2 (MANE Select); coding-DNA position 19301, A replaced by C.
Protein change: p.His6434Pro; replaces histidine 6434 with proline.
Molecular consequence: missense variant.
Genome position (GRCh38, 1-based): chr2:151,560,605, T>G on the plus strand (A>C on the coding strand, the complement: NEB is on the minus strand). VCF-style: chr2-151560605-T-G. GRCh37 (hg19) VCF-style: chr2-152417119-T-G.
Other names: c.19301A>C, p.His6434Pro (NM_001164507.2, NM_001271208.2); c.14198A>C, p.His4733Pro (NM_004543.5); short protein forms H4733P, H6434P.
Identifiers: ClinVar variation 647490 (VCV000647490.6), dbSNP rs1577553776, ClinGen allele CA348793723.